The following is an entry in ClinVar:

NM_001370259.2(MEN1):c.84C>T (p.Gly28=)

Gene: MEN1 (menin 1; minus strand). Cytogenetic location: 11q13.1.
Variant type: single nucleotide variant.
Coding change: c.84C>T on transcript NM_001370259.2 (MANE Select); coding-DNA position 84, C replaced by T.
Protein change: p.Gly28=; no amino-acid change (glycine 28 retained).
Molecular consequence: synonymous variant.
Genome position (GRCh38, 1-based): chr11:64,810,026, G>A on the plus strand (C>T on the coding strand, the complement: MEN1 is on the minus strand). VCF-style: chr11-64810026-G-A. GRCh37 (hg19) VCF-style: chr11-64577498-G-A.
Other names: c.84C>T, p.Gly28= (NM_000244.4, NM_001370251.2, NM_001370260.2 and 9 more transcripts); c.84C>T (NM_130799.2).
Identifiers: ClinVar variation 1670785 (VCV001670785.10), dbSNP rs2136194730, ClinGen allele CA475163100.

ClinVar aggregate classification (germline): Benign/Likely benign. Review status: criteria provided, multiple submitters, no conflicts (2 of 4 stars). 3 submissions from 3 submitters: Benign (1); Likely benign (2). Last evaluated 2026-05-04.

Conditions:
Hereditary cancer-predisposing syndrome. Also called: Hereditary Cancer Syndrome; Neoplastic Syndromes, Hereditary; Hereditary neoplastic syndrome; Tumor predisposition. Identifiers: Orphanet 140162, MedGen C0027672, MeSH D009386, MONDO:0015356.
Multiple endocrine neoplasia, type 1 (MEN1). Also called: MEN I; WERMER SYNDROME; Endocrine adenomatosis multiple; MEN 1; MEA I. Identifiers: Orphanet 652, MedGen C0025267, MeSH D018761, MONDO:0007540, OMIM 131100.

Submissions (3):

Ambry Genetics
Classification: Likely benign for Hereditary cancer-predisposing syndrome. Last evaluated: 2026-05-04. Review status: criteria provided, single submitter. Criteria: Ambry Variant Classification Scheme 2023. Collection method: clinical testing. Allele origin: germline.

Labcorp Genetics (formerly Invitae), Labcorp
Classification: Likely benign for Multiple endocrine neoplasia, type 1. Last evaluated: 2025-06-02. Review status: criteria provided, single submitter. Criteria: Invitae Variant Classification Sherloc (09022015). Collection method: clinical testing. Allele origin: germline.

Myriad Genetics, Inc.
Classification: Benign for Multiple endocrine neoplasia, type 1. Last evaluated: 2024-10-31. Review status: criteria provided, single submitter. Criteria: Myriad Autosomal Dominant, Autosomal Recessive and X-Linked Classification Criteria (2023). Collection method: clinical testing. Allele origin: unknown.
Comment: This variant is considered benign. This variant is a silent/synonymous amino acid change and it is not expected to impact splicing.